The following is an entry in ClinVar:

NM_006343.3(MERTK):c.1655A>G (p.Lys552Arg)

Gene: MERTK (MER proto-oncogene, tyrosine kinase; plus strand). Cytogenetic location: 2q13.
Variant type: single nucleotide variant.
Coding change: c.1655A>G on transcript NM_006343.3 (MANE Select); coding-DNA position 1655, A replaced by G.
Protein change: p.Lys552Arg; replaces lysine 552 with arginine.
Molecular consequence: missense variant.
Genome position (GRCh38, 1-based): chr2:112,001,251, A>G. VCF-style: chr2-112001251-A-G. GRCh37 (hg19) VCF-style: chr2-112758828-A-G.
Other names: short protein forms K552R.
Identifiers: ClinVar variation 1439690 (VCV001439690.8), dbSNP rs2104405157, ClinGen allele CA348232241.

ClinVar aggregate classification (germline): Uncertain significance (1 of 4 stars; one submission).

Submission:

Labcorp Genetics (formerly Invitae), Labcorp
Classification: Uncertain significance. Last evaluated: 2021-07-22. Review status: criteria provided, single submitter. Criteria: Invitae Variant Classification Sherloc (09022015). Collection method: clinical testing. Allele origin: germline.
Comment: In summary, the available evidence is currently insufficient to determine the role of this variant in disease. Therefore, it has been classified as a Variant of Uncertain Significance. Algorithms developed to predict the effect of missense changes on protein structure and function (SIFT, PolyPhen-2, Align-GVGD) all suggest that this variant is likely to be disruptive. This variant has not been reported in the literature in individuals affected with MERTK-related conditions. This variant is not present in population databases (ExAC no frequency). This sequence change replaces lysine with arginine at codon 552 of the MERTK protein (p.Lys552Arg). The lysine residue is highly conserved and there is a small physicochemical difference between lysine and arginine.